The following is an entry in ClinVar:

NM_032242.4(PLXNA1):c.3838C>T (p.Arg1280Trp)

Gene: PLXNA1 (plexin A1; plus strand). Cytogenetic location: 3q21.3.
Variant type: single nucleotide variant.
Coding change: c.3838C>T on transcript NM_032242.4 (MANE Select); coding-DNA position 3838, C replaced by T.
Protein change: p.Arg1280Trp; replaces arginine 1280 with tryptophan.
Molecular consequence: missense variant.
Genome position (GRCh38, 1-based): chr3:127,018,471, C>T. VCF-style: chr3-127018471-C-T. GRCh37 (hg19) VCF-style: chr3-126737314-C-T.
Other names: short protein forms R1280W.
Identifiers: ClinVar variation 4986086 (VCV004986086.1).

ClinVar aggregate classification (germline): Uncertain significance (1 of 4 stars; one submission).

Conditions:
PLXNA1-related disorder. Also called: PLXNA1-related condition.

gnomAD v4.1: 24 of 1,612,624 alleles (0.0015%); highest among the groups gnomAD compares: Non-Finnish European, 0.0018%; no homozygotes.

Submission:

PreventionGenetics, part of Exact Sciences
Classification: Uncertain significance for PLXNA1-related condition. Last evaluated: 2026-02-18. Review status: criteria provided, single submitter. Criteria: ACMG Guidelines, 2015. Collection method: clinical testing. Allele origin: germline.
Comment: The PLXNA1 c.3838C>T variant is predicted to result in the amino acid substitution p.Arg1280Trp. To our knowledge, this variant has not been reported in the literature. This variant is reported in 0.0033% of alleles in individuals of South Asian descent in gnomAD. At this time, the clinical significance of this variant is uncertain due to the absence of conclusive functional and genetic evidence.